The following is an entry in ClinVar:

NM_014370.4(SRPK3):c.119T>A (p.Val40Glu)

Gene: SRPK3 (SRSF protein kinase 3; plus strand). Cytogenetic location: Xq28.
Variant type: single nucleotide variant.
Coding change: c.119T>A on transcript NM_014370.4 (MANE Select); coding-DNA position 119, T replaced by A.
Protein change: p.Val40Glu; replaces valine 40 with glutamic acid.
Molecular consequence: missense variant.
Genome position (GRCh38, 1-based): chrX:153,781,275, T>A. VCF-style: chrX-153781275-T-A. GRCh37 (hg19) VCF-style: chrX-153046730-T-A.
Other names: c.119T>A, p.Val40Glu (NM_001170760.2, NM_001170761.2); short protein forms V40E.
Identifiers: ClinVar variation 3449466 (VCV003449466.3).

ClinVar aggregate classification (germline): Conflicting classifications of pathogenicity. Review status: criteria provided, conflicting classifications (1 of 4 stars). 2 submissions from 2 submitters: Uncertain significance (1); Likely benign (1). Last evaluated 2026-05-01.

Submissions (2):

CeGaT Center for Human Genetics Tuebingen
Classification: Likely benign. Last evaluated: 2026-05-01. Review status: criteria provided, single submitter. Criteria: CeGaT Center For Human Genetics Tuebingen Variant Classification Criteria Version 2. Collection method: clinical testing. Allele origin: germline. Affected: yes. Observed: 1 variant allele.
Comment: SRPK3: BS2

Ambry Genetics
Classification: Uncertain significance. Last evaluated: 2024-10-19. Review status: criteria provided, single submitter. Criteria: Ambry Variant Classification Scheme 2023. Collection method: clinical testing. Allele origin: germline.